The following is an entry in ClinVar:

NM_004530.6(MMP2):c.348del (p.Lys116fs)

Gene: MMP2 (matrix metallopeptidase 2; plus strand). Cytogenetic location: 16q12.2.
Variant type: Deletion.
Coding change: c.348del on transcript NM_004530.6 (MANE Select); coding-DNA position 348, one base deleted (G; older notation c.348delG).
Protein change: p.Lys116fs; shifts the reading frame from lysine 116.
Molecular consequence: frameshift variant.
Genome position (GRCh38, 1-based): chr16:55,483,103, G deleted. VCF-style (leftmost placement, unchanged base first): chr16-55483102-AG-A. GRCh37 (hg19) VCF-style: chr16-55517014-AG-A.
Other names: c.198del, p.Lys66fs (NM_001127891.3); c.120del, p.Lys40fs (NM_001302508.1, NM_001302509.2, NM_001302510.2); c.348del (NM_004530.5); short protein forms K116fs, K40fs, K66fs.
Identifiers: ClinVar variation 3777151 (VCV003777151.1).

ClinVar aggregate classification (germline): Pathogenic (1 of 4 stars; one submission).

Conditions:
Multicentric osteolysis, nodulosis, and arthropathy (MONA). Also called: OSTEOLYSIS, HEREDITARY MULTICENTRIC; NAO SYNDROME; TORG SYNDROME; Torg-Winchester syndrome; AL-AQEEL SEWAIRI SYNDROME. Identifiers: MedGen CN322832, MONDO:0009809, OMIM 259600.

Submission:

University of Washington Department of Laboratory Medicine, University of Washington
Classification: Pathogenic for Multicentric osteolysis, nodulosis, and arthropathy. Last evaluated: 2021-08-13. Review status: criteria provided, single submitter. Criteria: ACMG Guidelines, 2015. Collection method: clinical testing. Allele origin: unknown. Affected: yes.
Comment: The p.Lys116fs*39 variant has not been previously reported in association with disease and was absent from large population databases, including the Genome Aggregation Database. This variant results in a single base pair deletion in exon 2 of 13 exons, which causes a shift in the protein reading frame, leading to a premature termination codon 39 amino acids downstream. Nonsense-mediated decay resulting in a truncated or absent protein is predicted with this variant. These predictions have not been tested directly. Biallelic loss of the MMP2 gene function is an established mechanism of disease. Using ACMG guidelines, this variant was classified as pathogenic for autosomal recessive MONA (ACMG evidence codes used: PVS1, PM3_supporting, PM2_supporting).